The following is an entry in ClinVar:

NM_004304.5(ALK):c.1380C>A (p.Asp460Glu)

Gene: ALK (ALK receptor tyrosine kinase; minus strand). Cytogenetic location: 2p23.2.
Variant type: single nucleotide variant.
Coding change: c.1380C>A on transcript NM_004304.5 (MANE Select); coding-DNA position 1380, C replaced by A.
Protein change: p.Asp460Glu; replaces aspartic acid 460 with glutamic acid.
Molecular consequence: missense variant.
Genome position (GRCh38, 1-based): chr2:29,328,384, G>T on the plus strand (C>A on the coding strand, the complement: ALK is on the minus strand). VCF-style: chr2-29328384-G-T. GRCh37 (hg19) VCF-style: chr2-29551250-G-T.
Other names: short protein forms D460E.
Identifiers: ClinVar variation 1994651 (VCV001994651.4), dbSNP rs2465459276, ClinGen allele CA346474174.

ClinVar aggregate classification (germline): Uncertain significance (1 of 4 stars; one submission).

Conditions:
Neuroblastoma, susceptibility to, 3. Also called: ALK-Related Neuroblastic Tumor Susceptibility. Identifiers: Orphanet 635, MedGen C2751681, MONDO:0013083, OMIM 613014.

Submission:

Labcorp Genetics (formerly Invitae), Labcorp
Classification: Uncertain significance for Neuroblastoma, susceptibility to, 3. Last evaluated: 2022-05-16. Review status: criteria provided, single submitter. Criteria: Invitae Variant Classification Sherloc (09022015). Collection method: clinical testing. Allele origin: germline.
Comment: This variant has not been reported in the literature in individuals affected with ALK-related conditions. Algorithms developed to predict the effect of missense changes on protein structure and function are either unavailable or do not agree on the potential impact of this missense change (SIFT: "Deleterious"; PolyPhen-2: "Benign"; Align-GVGD: "Class C0"). In summary, the available evidence is currently insufficient to determine the role of this variant in disease. Therefore, it has been classified as a Variant of Uncertain Significance. This sequence change replaces aspartic acid, which is acidic and polar, with glutamic acid, which is acidic and polar, at codon 460 of the ALK protein (p.Asp460Glu). This variant is not present in population databases (gnomAD no frequency).